The following is an entry in ClinVar:

ClinVar aggregate classification (germline): Uncertain significance (1 of 4 stars; one submission).

Conditions:
Atrial fibrillation, familial, 11 (ATFB11). Identifiers: MedGen C3279693, MONDO:0013544, OMIM 614049.
Atrial standstill 1 (ATRST1). Also called: ATRIAL CARDIOMYOPATHY WITH HEART BLOCK; CARDIOMYOPATHY, FAMILIAL, WITH CONDUCTION DISTURBANCE; Atrial standstill, digenic (GJA5/SCN5A). Identifiers: Orphanet 1344, MedGen C4551959, MONDO:0007171, OMIM 108770.

Allele frequency attached by ClinVar (database versions not stated): ExAC 0.00001; gnomAD 0.00001.

Submission:

Labcorp Genetics (formerly Invitae), Labcorp
Classification: Uncertain significance for Atrial fibrillation, familial, 11; Atrial standstill 1. Last evaluated: 2022-04-04. Review status: criteria provided, single submitter. Criteria: Invitae Variant Classification Sherloc (09022015). Collection method: clinical testing. Allele origin: germline.
Comment: In summary, the available evidence is currently insufficient to determine the role of this variant in disease. Therefore, it has been classified as a Variant of Uncertain Significance. This variant has not been reported in the literature in individuals affected with GJA5-related conditions. This variant is not present in population databases (gnomAD no frequency). This variant, c.279_296dup, results in the insertion of 6 amino acid(s) of the GJA5 protein (p.Gly94_Thr99dup), but otherwise preserves the integrity of the reading frame.

NM_181703.4(GJA5):c.279_296dup (p.Thr99_Val100insGlyHisAlaMetHisThr)

Gene: GJA5 (gap junction protein alpha 5; minus strand). Cytogenetic location: 1q21.2.
Variant type: Duplication.
Coding change: c.279_296dup on transcript NM_181703.4 (MANE Select); coding-DNA positions 279 to 296, 18 bases duplicated (GGGCCACGCCATGCACAC).
Protein change: p.Thr99_Val100insGlyHisAlaMetHisThr.
Molecular consequence: inframe insertion.
Genome position (GRCh38, 1-based): chr1:147,758,943-147,758,960, GTGTGCATGGCGTGGCCC duplicated on the plus strand (GGGCCACGCCATGCACAC on the coding strand, the reverse complement: GJA5 is on the minus strand). VCF-style (leftmost placement, unchanged base first): chr1-147758942-A-AGTGTGCATGGCGTGGCCC. GRCh37 (hg19) VCF-style: chr1-147231050-A-AGTGTGCATGGCGTGGCCC.
Other names: c.279_296dup, p.Thr99_Val100insGlyHisAlaMetHisThr (NM_005266.7).
Identifiers: ClinVar variation 2121287 (VCV002121287.4), dbSNP rs782254259, ClinGen allele CA1065795.
Genomic context (GRCh38, chr1:147,758,942, plus strand): 5'-GCCCCGGACCTCTTTGGCCCTCTCGGCCTCCCGTAGCTTGCGCTTCTCCTGCATGCGCAC[A>AGTGTGCATGGCGTGGCCC]GTGTGCATGGCGTGGCCCATGTACACCAGAGAGGGCGTGGAGACGAAGATGATCTGCAGC-3'